The following is an entry in ClinVar:

NM_006254.4(PRKCD):c.376+6A>G

Genes: PRKCD (protein kinase C delta; plus strand), LOC129936895 (ATAC-STARR-seq lymphoblastoid active region 19963; plus strand). Cytogenetic location: 3p21.1.
Variant type: single nucleotide variant.
Coding change: c.376+6A>G on transcript NM_006254.4 (MANE Select); 6 bases into the intron after coding-DNA position 376, A replaced by G.
Molecular consequence: intron variant.
Genome position (GRCh38, 1-based): chr3:53,181,273, A>G. VCF-style: chr3-53181273-A-G. GRCh37 (hg19) VCF-style: chr3-53215289-A-G.
Other names: c.376+6A>G (NM_001354680.2, NM_001354679.2, NM_212539.2 and 1 more transcripts); c.433+6A>G (NM_001354676.2); c.424+6A>G (NM_001354678.2).
Identifiers: ClinVar variation 1398667 (VCV001398667.6), dbSNP rs2107261999, ClinGen allele CA2573137247.
Genomic context (GRCh38, chr3:53,181,273, plus strand): 5'-CTGCAGCCTCAGGCCAAGGTGTTGATGTCTGTTCAGTATTTCCTGGAGGACGTGGGTAAG[A>G]ACTCCCTGGGGGTGGAGGGCTCCCTTGCCGGGTTCAGAGGCAGAGCCAGCACTGAGGTGT-3'

ClinVar aggregate classification (germline): Uncertain significance (1 of 4 stars; one submission).

Conditions:
Autoimmune lymphoproliferative syndrome, type III caused by mutation in PRKCD. Identifiers: Orphanet 3261, Orphanet 664711, MedGen C3809928, MONDO:8000024, OMIM 615559.

Submission:

Labcorp Genetics (formerly Invitae), Labcorp
Classification: Uncertain significance for Autoimmune lymphoproliferative syndrome, type III caused by mutation in PRKCD. Last evaluated: 2021-08-22. Review status: criteria provided, single submitter. Criteria: Invitae Variant Classification Sherloc (09022015). Collection method: clinical testing. Allele origin: germline.
Comment: This sequence change falls in intron 5 of the PRKCD gene. It does not directly change the encoded amino acid sequence of the PRKCD protein. It affects a nucleotide within the consensus splice site of the intron. This variant is not present in population databases (ExAC no frequency). This variant has not been reported in the literature in individuals with PRKCD-related conditions. Nucleotide substitutions within the consensus splice site are a relatively common cause of aberrant splicing (PMID: 17576681, 9536098). Algorithms developed to predict the effect of sequence changes on RNA splicing suggest that this variant is not likely to affect RNA splicing, but this prediction has not been confirmed by published transcriptional studies. In summary, the available evidence is currently insufficient to determine the role of this variant in disease. Therefore, it has been classified as a Variant of Uncertain Significance.

Literature cited by the submitters: PubMed 17576681; PubMed 9536098.